The following is an entry in ClinVar:

ClinVar aggregate classification (germline): Uncertain significance (1 of 4 stars; one submission).

Conditions:
Neutropenia, severe congenital, 2, autosomal dominant. Identifiers: Orphanet 486, MedGen C2751288, MONDO:0013139, OMIM 613107.

Submission:

Labcorp Genetics (formerly Invitae), Labcorp
Classification: Uncertain significance for Neutropenia, severe congenital, 2, autosomal dominant. Last evaluated: 2020-09-16. Review status: criteria provided, single submitter. Criteria: Invitae Variant Classification Sherloc (09022015). Collection method: clinical testing. Allele origin: germline.
Comment: A gross deletion of the genomic region encompassing the full coding sequence of the GFI1 gene has been identified. The boundaries of this event are unknown as the deletion extends beyond the assayed region for this gene and therefore may encompass additional genes. This variant has not been reported in the literature in individuals with GFI1-related conditions. The current clinical and genetic evidence is not sufficient to establish whether loss-of-function variants in GFI1 cause disease. In summary, the available evidence is currently insufficient to determine the role of this variant in disease. Therefore, it has been classified as a Variant of Uncertain Significance.

NC_000001.10:g.(?_92941566)_(92949064_?)del

Gene: GFI1 (growth factor independent 1 transcriptional repressor; minus strand). Cytogenetic location: 1p22.1.
Variant type: Deletion.
Identifiers: ClinVar variation 1042060 (VCV001042060.1).